The following is an entry in ClinVar:

ClinVar aggregate classification (germline): Uncertain significance. Review status: criteria provided, multiple submitters, no conflicts (2 of 4 stars). 2 submissions from 2 submitters: Uncertain significance (2). Last evaluated 2023-12-13.

Conditions:
Inborn genetic diseases. Identifiers: MedGen C0950123, MeSH D030342.

Allele frequency attached by ClinVar (database versions not stated): gnomAD exomes below 0.00001; ExAC 0.00001; gnomAD 0.00001 and 0.00002; TOPMed 0.00001.
gnomAD v4.1: 5 of 1,614,050 alleles (0.00031%); highest among the groups gnomAD compares: African/African-American, 0.004%; no homozygotes.

Submissions (2):

Ambry Genetics
Classification: Uncertain significance for Inborn genetic diseases. Last evaluated: 2023-12-13. Review status: criteria provided, single submitter. Criteria: Ambry Variant Classification Scheme 2023. Collection method: clinical testing. Allele origin: germline.

GeneDx
Classification: Uncertain significance. Last evaluated: 2019-12-11. Review status: criteria provided, single submitter. Criteria: GeneDx Variant Classification Process June 2021. Collection method: clinical testing. Allele origin: germline. Affected: yes.
Comment: In silico analysis, which includes protein predictors and evolutionary conservation, supports that this variant does not alter protein structure/function; Has not been previously published as pathogenic or benign to our knowledge

NM_005267.5(GJA8):c.862G>A (p.Glu288Lys)

Gene: GJA8 (gap junction protein alpha 8; plus strand). Cytogenetic location: 1q21.2.
Variant type: single nucleotide variant.
Coding change: c.862G>A on transcript NM_005267.5 (MANE Select); coding-DNA position 862, G replaced by A.
Protein change: p.Glu288Lys; replaces glutamic acid 288 with lysine.
Molecular consequence: missense variant.
Genome position (GRCh38, 1-based): chr1:147,908,817, G>A. VCF-style: chr1-147908817-G-A. GRCh37 (hg19) VCF-style: chr1-147380944-G-A.
Other names: short protein forms E288K.
Identifiers: ClinVar variation 1316556 (VCV001316556.3), dbSNP rs782620419, ClinGen allele CA1066023.
Genomic context (GRCh38, chr1:147,908,817, plus strand): 5'-CTCCTAGAAGAAGAGAAAATCGTTTCCCACTATTTCCCCTTGACCGAGGTTGGGATGGTG[G>A]AGACCAGCCCACTGCCTGCCAAGCCTTTCAATCAGTTCGAGGAGAAGATCAGCACAGGAC-3'
Protein context (NP_005258.2, residues 278-298): YFPLTEVGMV[Glu288Lys]TSPLPAKPFN